The following is an entry in ClinVar:

NM_001267550.2(TTN):c.68921A>G (p.Lys22974Arg)

Genes: TTN (titin; minus strand), TTN-AS1 (TTN antisense RNA 1; plus strand). Cytogenetic location: 2q31.2.
Variant type: single nucleotide variant.
Coding change: c.68921A>G on transcript NM_001267550.2 (MANE Select); coding-DNA position 68921, A replaced by G.
Protein change: p.Lys22974Arg; replaces lysine 22974 with arginine.
Molecular consequence: missense variant.
Genome position (GRCh38, 1-based): chr2:178,577,414, T>C on the plus strand (A>G on the coding strand, the complement: TTN is on the minus strand). VCF-style: chr2-178577414-T-C. GRCh37 (hg19) VCF-style: chr2-179442141-T-C.
Other names: c.63998A>G, p.Lys21333Arg (NM_001256850.1); c.41726A>G, p.Lys13909Arg (NM_003319.4); c.61217A>G, p.Lys20406Arg (NM_133378.4); c.42101A>G, p.Lys14034Arg (NM_133432.3); c.42302A>G, p.Lys14101Arg (NM_133437.4); short protein forms K22974R, K13909R, K14101R, K20406R, K21333R, K14034R.
Identifiers: ClinVar variation 583337 (VCV000583337.1), dbSNP rs1559471235, ClinGen allele CA349670865.

ClinVar aggregate classification (germline): Uncertain significance (1 of 4 stars; one submission).

Conditions:
Autosomal recessive limb-girdle muscular dystrophy type 2J (LGMDR10). Also called: Limb-girdle muscular dystrophy, type 2J; MUSCULAR DYSTROPHY, LIMB-GIRDLE, AUTOSOMAL RECESSIVE 10. Identifiers: Orphanet 140922, MedGen C1837342, MONDO:0012127, OMIM 608807.
Dilated cardiomyopathy 1G (CMD1G). Identifiers: Orphanet 154, MedGen C1858763, MONDO:0011400, OMIM 604145.

Submission:

Labcorp Genetics (formerly Invitae), Labcorp
Classification: Uncertain significance for Dilated cardiomyopathy 1G; Limb-girdle muscular dystrophy, type 2J. Last evaluated: 2018-03-07. Review status: criteria provided, single submitter. Criteria: Invitae Variant Classification Sherloc (09022015). Collection method: clinical testing. Allele origin: germline.
Comment: This sequence change replaces lysine with arginine at codon 22974 of the TTN protein (p.Lys22974Arg). The lysine residue is highly conserved and there is a small physicochemical difference between lysine and arginine. This variant is not present in population databases (ExAC no frequency). This variant has not been reported in the literature in individuals with TTN-related disease. This variant identified in the TTN gene is located in the A band of the resulting protein (PMID: 25589632). It is unclear how this variant impacts the function of this protein. Algorithms developed to predict the effect of missense changes on protein structure and function are unavailable for the TTN gene. Algorithms developed to predict the effect of sequence changes on RNA splicing suggest that this variant may create or strengthen a splice site, but this prediction has not been confirmed by published transcriptional studies. In summary, the available evidence is currently insufficient to determine the role of this variant in disease. Therefore, it has been classified as a Variant of Uncertain Significance.

Literature cited by the submitters: PubMed 25589632.